The following is an entry in ClinVar:

NM_144631.6(ZNF513):c.300A>C (p.Glu100Asp)

Gene: ZNF513 (zinc finger protein 513; minus strand). Cytogenetic location: 2p23.3.
Variant type: single nucleotide variant.
Coding change: c.300A>C on transcript NM_144631.6 (MANE Select); coding-DNA position 300, A replaced by C.
Protein change: p.Glu100Asp; replaces glutamic acid 100 with aspartic acid.
Molecular consequence: missense variant.
Genome position (GRCh38, 1-based): chr2:27,378,966, T>G on the plus strand (A>C on the coding strand, the complement: ZNF513 is on the minus strand). VCF-style: chr2-27378966-T-G. GRCh37 (hg19) VCF-style: chr2-27601833-T-G.
Other names: c.114A>C, p.Glu38Asp (NM_001201459.2); short protein forms E38D, E100D.
Identifiers: ClinVar variation 2129836 (VCV002129836.4), dbSNP rs1268352863, ClinGen allele CA346218653.

ClinVar aggregate classification (germline): Uncertain significance (1 of 4 stars; one submission).

Submission:

Labcorp Genetics (formerly Invitae), Labcorp
Classification: Uncertain significance. Last evaluated: 2022-09-24. Review status: criteria provided, single submitter. Criteria: Invitae Variant Classification Sherloc (09022015). Collection method: clinical testing. Allele origin: germline.
Comment: This variant has not been reported in the literature in individuals affected with ZNF513-related conditions. Algorithms developed to predict the effect of missense changes on protein structure and function are either unavailable or do not agree on the potential impact of this missense change (SIFT: "Deleterious"; PolyPhen-2: "Benign"; Align-GVGD: "Class C35"). In summary, the available evidence is currently insufficient to determine the role of this variant in disease. Therefore, it has been classified as a Variant of Uncertain Significance. This sequence change replaces glutamic acid, which is acidic and polar, with aspartic acid, which is acidic and polar, at codon 100 of the ZNF513 protein (p.Glu100Asp). This variant is not present in population databases (gnomAD no frequency).